The following is an entry in ClinVar:

NM_003324.5(TULP3):c.492+1G>A

Gene: TULP3 (TUB like protein 3; plus strand). Cytogenetic location: 12p13.33.
Variant type: single nucleotide variant.
Coding change: c.492+1G>A on transcript NM_003324.5 (MANE Select); the canonical splice donor site of the intron after coding-DNA position 492, G replaced by A.
Molecular consequence: splice donor variant.
Genome position (GRCh38, 1-based): chr12:2,930,346, G>A. VCF-style: chr12-2930346-G-A. GRCh37 (hg19) VCF-style: chr12-3039512-G-A.
Other names: NC_000012.11:g.3039512G>A; c.492+1G>A (NM_001160408.2).
Identifiers: ClinVar variation 3897998 (VCV003897998.2).
Genomic context (GRCh38, chr12:2,930,346, plus strand): 5'-GGAATATCCCAGTCAGCATGTTTAGAAAGACCCAATTCTGCATCAAGCCAGAATTCAACC[G>A]TATGTAGTTCTGAAACTTCTTCCATTAGAGCTAATTTGACTCTTTCTCAAACATATCTTC-3'

ClinVar aggregate classification (germline): Likely pathogenic (1 of 4 stars; one submission).

Conditions:
Hepatorenocardiac degenerative fibrosis. Identifiers: MedGen C5676996, MONDO:0859254, OMIM 619902.

gnomAD v4.1: 266 of 1,603,324 alleles (0.017%); highest among the groups gnomAD compares: South Asian, 0.084%; 1 homozygote.

Submissions (2):

Neuberg Centre For Genomic Medicine, NCGM
Classification: Likely pathogenic for Hepatorenocardiac degenerative fibrosis. Last evaluated: 2024-02-01. Review status: criteria provided, single submitter. Criteria: ACMG Guidelines, 2015. Collection method: clinical testing. Allele origin: germline. Inheritance: Autosomal recessive inheritance.
Comment: The invariant splice donor c.492+1G>A variant in TULP3 gene has been reported previously in an individual affected with TULP3- related disorders (Devane et al., 2022). Loss of function variants have been previously reported to be disease causing. Additional functional studies will be required to prove the pathogenicity of this variant conclusively.

Dr. Peter K. Rogan Lab, Western University
No classification provided (evidence only). Condition: Acute myeloid leukemia. Review status: no classification provided. Collection method: in vitro. Allele origin: not applicable. Functional consequence: skipped exon. Not counted in ClinVar's aggregate classification.